The following is an entry in ClinVar:

ClinVar aggregate classification (germline): Uncertain significance (1 of 4 stars; one submission).

Submission:

CeGaT Center for Human Genetics Tuebingen
Classification: Uncertain significance. Last evaluated: 2025-04-01. Review status: criteria provided, single submitter. Criteria: CeGaT Center For Human Genetics Tuebingen Variant Classification Criteria Version 2. Collection method: clinical testing. Allele origin: germline. Affected: yes. Observed: 1 variant allele.
Comment: ARID1A: PM2

NM_006015.6(ARID1A):c.1076A>G (p.His359Arg)

Genes: ARID1A (AT-rich interaction domain 1A; plus strand), LOC129929837 (ATAC-STARR-seq lymphoblastoid silent region 489; plus strand). Cytogenetic location: 1p36.11.
Variant type: single nucleotide variant.
Coding change: c.1076A>G on transcript NM_006015.6 (MANE Select); coding-DNA position 1076, A replaced by G.
Protein change: p.His359Arg; replaces histidine 359 with arginine.
Molecular consequence: missense variant.
Genome position (GRCh38, 1-based): chr1:26,697,479, A>G. VCF-style: chr1-26697479-A-G. GRCh37 (hg19) VCF-style: chr1-27023970-A-G.
Other names: c.1076A>G, p.His359Arg (NM_139135.4); short protein forms H359R.
Identifiers: ClinVar variation 3898392 (VCV003898392.7).